The following is an entry in ClinVar:

NM_002016.2(FLG):c.3271C>T (p.Gln1091Ter)

Genes: CCDST (cervical cancer associated DHX9 suppressive transcript; plus strand), FLG (filaggrin; minus strand). Cytogenetic location: 1q21.3.
Variant type: single nucleotide variant.
Coding change: c.3271C>T on transcript NM_002016.2 (MANE Select); coding-DNA position 3271, C replaced by T.
Protein change: p.Gln1091Ter; replaces glutamine 1091 with a stop codon.
Molecular consequence: nonsense.
Genome position (GRCh38, 1-based): chr1:152,311,615, G>A on the plus strand (C>T on the coding strand, the complement: FLG is on the minus strand). VCF-style: chr1-152311615-G-A. GRCh37 (hg19) VCF-style: chr1-152284091-G-A.
Other names: short protein forms Q1091*.
Identifiers: ClinVar variation 4071577 (VCV004071577.2).

ClinVar aggregate classification (germline): Pathogenic (1 of 4 stars; one submission).

gnomAD v4.1: 32 of 1,614,002 alleles (0.002%); highest among the groups gnomAD compares: Admixed American, 0.025%; no homozygotes.

Submission:

GeneDx
Classification: Pathogenic. Last evaluated: 2026-06-06. Review status: criteria provided, single submitter. Criteria: GeneDx Variant Classification Process June 2021. Collection method: clinical testing. Allele origin: germline.
Comment: Nonsense variant predicted to result in protein truncation, as the last 2971 amino acids are lost, and other loss-of-function variants have been reported downstream in HGMD; Has not been previously published as pathogenic or benign to our knowledge; This variant is associated with the following publications: (PMID: 16444271)